The following is an entry in ClinVar:

ClinVar aggregate classification (germline): Conflicting classifications of pathogenicity. Review status: criteria provided, conflicting classifications (1 of 4 stars). 5 submissions from 5 submitters: Uncertain significance (3); Likely benign (1). 1 of the submissions does not count toward it. Last evaluated 2025-10-19.

Conditions:
Hereditary cancer-predisposing syndrome. Also called: Neoplastic Syndromes, Hereditary; Hereditary neoplastic syndrome; Tumor predisposition; Hereditary Cancer Syndrome. Identifiers: Orphanet 140162, MedGen C0027672, MeSH D009386, MONDO:0015356.
Hereditary breast ovarian cancer syndrome. Also called: Breast and ovarian cancer; Hereditary breast and ovarian cancer syndrome (HBOC); Hereditary breast and ovarian cancer syndrome; Hereditary breast and/or ovarian cancer syndrome; Hereditary breast and ovarian cancer; BRCA1- and BRCA2-Associated Hereditary Breast and Ovarian Cancer. Identifiers: Orphanet 145, MedGen C0677776, MeSH D061325, MONDO:0003582. Disease mechanism: loss of function.
Familial cancer of breast. Also called: BREAST CANCER, FAMILIAL; Hereditary breast cancer; hereditary breast carcinoma. Identifiers: Orphanet 227535, MedGen C0346153, MONDO:0016419, OMIM 114480. Disease mechanism: loss of function.

Submissions (5):

Quest Diagnostics Nichols Institute San Juan Capistrano
Classification: Uncertain significance. Last evaluated: 2025-10-19. Review status: criteria provided, single submitter. Criteria: Quest Diagnostics criteria. Collection method: clinical testing. Allele origin: unknown.
Comment: The BRCA1 c.3074C>T (p.Thr1025Ile) variant has been reported in the published literature in one family affected with breast cancer (PMID: 9609997 (1998)). This variant has not been reported in large, multi-ethnic general populations (Genome Aggregation Database). Analysis of this variant using bioinformatics tools for the prediction of the effect of amino acid changes on protein structure and function yielded predictions that this variant is damaging. Based on the available information, we are unable to determine the clinical significance of this variant.

University of Washington Department of Laboratory Medicine, University of Washington
Classification: Likely benign for Hereditary cancer-predisposing syndrome. Last evaluated: 2023-03-23. Review status: criteria provided, single submitter. Criteria: Dines et al. (Genet Med. 2020). Collection method: curation. Allele origin: germline.
Comment: Missense variant in a coldspot region where missense variants are very unlikely to be pathogenic (PMID:31911673).

BRCA1 coldspot (exon 11 using historical exon numbering). Reclassification based on statistical prior probability

Labcorp Genetics (formerly Invitae), Labcorp
Classification: Uncertain significance for Hereditary breast ovarian cancer syndrome. Last evaluated: 2022-06-12. Review status: criteria provided, single submitter. Criteria: Invitae Variant Classification Sherloc (09022015). Collection method: clinical testing. Allele origin: germline.
Comment: This variant is not present in population databases (gnomAD no frequency). This missense change has been observed in individual(s) with breast cancer (PMID: 9609997). ClinVar contains an entry for this variant (Variation ID: 54766). Advanced modeling of protein sequence and biophysical properties (such as structural, functional, and spatial information, amino acid conservation, physicochemical variation, residue mobility, and thermodynamic stability) performed at Invitae indicates that this missense variant is not expected to disrupt BRCA1 protein function. In summary, the available evidence is currently insufficient to determine the role of this variant in disease. Therefore, it has been classified as a Variant of Uncertain Significance. This sequence change replaces threonine, which is neutral and polar, with isoleucine, which is neutral and non-polar, at codon 1025 of the BRCA1 protein (p.Thr1025Ile).

Ambry Genetics
Classification: Uncertain significance for Hereditary cancer-predisposing syndrome. Last evaluated: 2019-11-27. Review status: criteria provided, single submitter. Criteria: Ambry Variant Classification Scheme 2023. Collection method: clinical testing. Allele origin: germline.
Comment: The p.T1025I variant (also known as c.3074C>T), located in coding exon 9 of the BRCA1 gene, results from a C to T substitution at nucleotide position 3074. The threonine at codon 1025 is replaced by isoleucine, an amino acid with similar properties. This amino acid position is not well conserved in available vertebrate species. In addition, this alteration is predicted to be deleterious by in silico analysis. Since supporting evidence is limited at this time, the clinical significance of this alteration remains unclear.

ClinVar Staff, National Center for Biotechnology Information (NCBI)
No classification provided. Condition: Familial cancer of breast. Review status: no classification provided. Collection method: literature only. Allele origin: germline. Affected: yes. Not counted in ClinVar's aggregate classification.

Literature cited by the submitters: PubMed 9609997 (cited by 3 submitters); PubMed 35039532 (cited by Quest Diagnostics Nichols Institute San Juan Capistrano).

NM_007294.4(BRCA1):c.3074C>T (p.Thr1025Ile)

Gene: BRCA1 (BRCA1 DNA repair associated; minus strand). Cytogenetic location: 17q21.31.
Variant type: single nucleotide variant.
Coding change: c.3074C>T on transcript NM_007294.4 (MANE Select); coding-DNA position 3074, C replaced by T.
Protein change: p.Thr1025Ile; replaces threonine 1025 with isoleucine.
Molecular consequence: missense variant. On other transcripts: intron variant (137).
Genome position (GRCh38, 1-based): chr17:43,092,457, G>A on the plus strand (C>T on the coding strand, the complement: BRCA1 is on the minus strand). VCF-style: chr17-43092457-G-A. GRCh37 (hg19) VCF-style: chr17-41244474-G-A.
Other names: c.2951C>T, p.Thr984Ile (NM_001407681.1, NM_001407682.1, NM_001407683.1 and 19 more transcripts); c.3074C>T, p.Thr1025Ile (NM_001407684.1, NM_001407854.1, NM_001407858.1 and 30 more transcripts); c.2948C>T, p.Thr983Ile (NM_001407685.1, NM_001407686.1, NM_001407687.1 and 11 more transcripts); c.2933C>T, p.Thr978Ile (NM_001407692.1, NM_001407694.1, NM_001407695.1 and 29 more transcripts); c.2930C>T, p.Thr977Ile (NM_001407740.1, NM_001407741.1, NM_001407742.1 and 20 more transcripts); c.2861C>T, p.Thr954Ile (NM_001407853.1, NM_001407571.1, NM_001407894.1 and 9 more transcripts); c.3071C>T, p.Thr1024Ile (NM_001407860.1, NM_001407861.1, NM_001407587.1 and 22 more transcripts); c.2873C>T, p.Thr958Ile (NM_001407862.1); and 41 more; short protein forms T1025I, T978I, T1024I, T729I, T914I, T999I, T1022I, T898I.
Identifiers: ClinVar variation 54766 (VCV000054766.12), dbSNP rs397509034, ClinGen allele CA002016.